The following is an entry in ClinVar:

NM_007194.4(CHEK2):c.756del (p.Ser252fs)

Gene: CHEK2 (checkpoint kinase 2; minus strand). Cytogenetic location: 22q12.1.
Variant type: Deletion.
Coding change: c.756del on transcript NM_007194.4 (MANE Select); coding-DNA position 756, one base deleted (C; older notation c.756delC).
Protein change: p.Ser252fs; shifts the reading frame from serine 252.
Molecular consequence: frameshift variant.
Genome position (GRCh38, 1-based): chr22:28,711,945, G deleted on the plus strand (C on the coding strand, the reverse complement: CHEK2 is on the minus strand). VCF-style (leftmost placement, unchanged base first): chr22-28711944-TG-T. GRCh37 (hg19) VCF-style: chr22-29107932-TG-T.
Other names: c.885delC, p.Ser295Argfs (NM_001005735.3); c.93delC, p.Ser31Argfs (NM_001257387.3); c.555delC, p.Ser185Argfs (NM_001349956.3); c.756delC, p.Ser252Argfs (NM_145862.3); short protein forms S31fs, S252fs, S295fs, S185fs.
Identifiers: ClinVar variation 2127882 (VCV002127882.4), dbSNP rs2517960692, ClinGen allele CA2580099678.

ClinVar aggregate classification (germline): Pathogenic (1 of 4 stars; one submission).

Conditions:
Familial cancer of breast. Also called: hereditary breast carcinoma; BREAST CANCER, FAMILIAL; Hereditary breast cancer. Identifiers: Orphanet 227535, MedGen C0346153, MONDO:0016419, OMIM 114480. Disease mechanism: loss of function.

Submission:

Labcorp Genetics (formerly Invitae), Labcorp
Classification: Pathogenic for Familial cancer of breast. Last evaluated: 2022-04-19. Review status: criteria provided, single submitter. Criteria: Invitae Variant Classification Sherloc (09022015). Collection method: clinical testing. Allele origin: germline.
Comment: For these reasons, this variant has been classified as Pathogenic. This variant has not been reported in the literature in individuals affected with CHEK2-related conditions. This variant is not present in population databases (gnomAD no frequency). This sequence change creates a premature translational stop signal (p.Ser252Argfs*23) in the CHEK2 gene. It is expected to result in an absent or disrupted protein product. Loss-of-function variants in CHEK2 are known to be pathogenic (PMID: 21876083, 24713400).

Literature cited by the submitters: PubMed 21876083; PubMed 24713400.